The following is an entry in ClinVar:

ClinVar aggregate classification (germline): Benign/Likely benign. Review status: criteria provided, multiple submitters, no conflicts (2 of 4 stars). 6 submissions from 6 submitters: Benign (4); Likely benign (2). Last evaluated 2026-02-01.

Conditions:
Intellectual disability, autosomal dominant 14 (CSS2). Also called: COFFIN-SIRIS SYNDROME 2. Identifiers: Orphanet 1465, MedGen C3553247, MONDO:0013819, OMIM 614607.

Allele frequency attached by ClinVar (database versions not stated): ExAC 0.00104; 1000 Genomes Project 30x 0.00219; 1000 Genomes Project 0.00220; gnomAD 0.00301 and 0.00329; TOPMed 0.00337; ESP Exome Variant Server 0.00423.
gnomAD v4.1: 937 of 1,614,274 alleles (0.058%); highest among the groups gnomAD compares: African/African-American, 1.1%; 7 homozygotes.

Submissions (6):

Labcorp Genetics (formerly Invitae), Labcorp
Classification: Benign. Last evaluated: 2026-02-01. Review status: criteria provided, single submitter. Criteria: Invitae Variant Classification Sherloc (09022015). Collection method: clinical testing. Allele origin: germline.

Blueprint Genetics
Classification: Likely benign. Last evaluated: 2024-10-02. Review status: criteria provided, single submitter. Criteria: ACMG Guidelines, 2015. Collection method: clinical testing. Allele origin: germline.

CeGaT Center for Human Genetics Tuebingen
Classification: Likely benign. Last evaluated: 2023-01-01. Review status: criteria provided, single submitter. Criteria: CeGaT Center For Human Genetics Tuebingen Variant Classification Criteria Version 2. Collection method: clinical testing. Allele origin: germline. Affected: yes. Observed: 3 variant alleles.
Comment: ARID1A: BP4, BP7, BS1

Genome-Nilou Lab
Classification: Benign for Intellectual disability, autosomal dominant 14. Last evaluated: 2021-12-05. Review status: criteria provided, single submitter. Criteria: ACMG Guidelines, 2015. Collection method: clinical testing. Allele origin: germline. Affected: no.

GeneDx
Classification: Benign. Last evaluated: 2021-05-10. Review status: criteria provided, single submitter. Criteria: GeneDx Variant Classification Process June 2021. Collection method: clinical testing. Allele origin: germline. Affected: yes.

Genetic Services Laboratory, University of Chicago
Classification: Benign. Last evaluated: 2016-09-30. Review status: criteria provided, single submitter. Criteria: ACMG Guidelines, 2015. Collection method: clinical testing. Allele origin: germline. Affected: no.

NM_006015.6(ARID1A):c.2541C>A (p.Ile847=)

Gene: ARID1A (AT-rich interaction domain 1A; plus strand). Cytogenetic location: 1p36.11.
Variant type: single nucleotide variant.
Coding change: c.2541C>A on transcript NM_006015.6 (MANE Select); coding-DNA position 2541, C replaced by A.
Protein change: p.Ile847=; no amino-acid change (isoleucine 847 retained).
Molecular consequence: synonymous variant.
Genome position (GRCh38, 1-based): chr1:26,763,094, C>A. VCF-style: chr1-26763094-C-A. GRCh37 (hg19) VCF-style: chr1-27089585-C-A.
Other names: c.2541C>A (LRG_875t1); c.2541C>A, p.Ile847= (NM_139135.4).
Identifiers: ClinVar variation 434321 (VCV000434321.42), dbSNP rs151274586, ClinGen allele CA707024.
Genomic context (GRCh38, chr1:26,763,094, plus strand): 5'-CATGGCTGGAGGCATAAACCCCATGGGTGCCGGAGGTCAAATGCATGGACAGCCTGGCAT[C>A]CCACCTTATGGCACACTCCCTCCAGGGAGGATGAGTCACGCCTCCATGGGCAACCGGCCT-3'
Protein context (NP_006006.3, residues 837-857): AGGQMHGQPG[Ile847=]PPYGTLPPGR